The following is an entry in ClinVar:

NM_001145026.2(PTPRQ):c.4169T>C (p.Met1390Thr)

Gene: PTPRQ (protein tyrosine phosphatase receptor type Q; plus strand). Cytogenetic location: 12q21.31.
Variant type: single nucleotide variant.
Coding change: c.4169T>C on transcript NM_001145026.2 (MANE Select); coding-DNA position 4169, T replaced by C.
Protein change: p.Met1390Thr; replaces methionine 1390 with threonine.
Molecular consequence: missense variant.
Genome position (GRCh38, 1-based): chr12:80,549,618, T>C. VCF-style: chr12-80549618-T-C. GRCh37 (hg19) VCF-style: chr12-80943397-T-C.
Other names: short protein forms M1390T.
Identifiers: ClinVar variation 3056084 (VCV003056084.1), dbSNP rs2541611811, ClinGen allele CA385878575.
Genomic context (GRCh38, chr12:80,549,618, plus strand): 5'-TAACGCAGTATATGGTAACAGTTGAAAGGAATTCTACAAAAGTTTCTCCCCAAGATCACA[T>C]GTACACTTTCATAAAGCTTCTTGCCAATACCTCATATGTCTTTAAAGTAAGAGCTTCAAC-3'
Protein context (NP_001138498.1, residues 1380-1400): NSTKVSPQDH[Met1390Thr]YTFIKLLANT

ClinVar aggregate classification (germline): Benign (1 of 4 stars; one submission).

Conditions:
PTPRQ-related disorder. Also called: PTPRQ-related condition.

Submission:

PreventionGenetics, part of Exact Sciences
Classification: Benign for PTPRQ-related condition. Last evaluated: 2019-10-02. Review status: criteria provided, single submitter. Criteria: ACMG Guidelines, 2015. Collection method: clinical testing. Allele origin: germline.
Comment: This variant is classified as benign based on ACMG/AMP sequence variant interpretation guidelines (Richards et al. 2015 PMID: 25741868, with internal and published modifications).